The following is an entry in ClinVar:

NM_004168.4(SDHA):c.980T>C (p.Met327Thr)

Gene: SDHA (succinate dehydrogenase complex flavoprotein subunit A; plus strand). Cytogenetic location: 5p15.33.
Variant type: single nucleotide variant.
Coding change: c.980T>C on transcript NM_004168.4 (MANE Select); coding-DNA position 980, T replaced by C.
Protein change: p.Met327Thr; replaces methionine 327 with threonine.
Molecular consequence: missense variant.
Genome position (GRCh38, 1-based): chr5:233,561, T>C. VCF-style: chr5-233561-T-C. GRCh37 (hg19) VCF-style: chr5-233676-T-C.
Other names: c.836T>C, p.Met279Thr (NM_001294332.2); c.980T>C, p.Met327Thr (NM_001330758.2); short protein forms M327T, M279T.
Identifiers: ClinVar variation 1387862 (VCV001387862.6), dbSNP rs2126577482, ClinGen allele CA359012763.

ClinVar aggregate classification (germline): Uncertain significance (1 of 4 stars; one submission).

Conditions:
Mitochondrial complex II deficiency, nuclear type 1. Also called: SUCCINATE CoQ REDUCTASE DEFICIENCY. Identifiers: Orphanet 3208, MedGen C5700310, MONDO:0100294, OMIM 252011.
Pheochromocytoma/paraganglioma syndrome 5. Also called: Paragangliomas 5; SDHA-Related Hereditary Paraganglioma-Pheochromocytoma Syndrome. Identifiers: Orphanet 29072, MedGen C3279992, MONDO:0013602, OMIM 614165.

Submission:

Labcorp Genetics (formerly Invitae), Labcorp
Classification: Uncertain significance for Pheochromocytoma/paraganglioma syndrome 5; Mitochondrial complex II deficiency, nuclear type 1. Last evaluated: 2024-12-30. Review status: criteria provided, single submitter. Criteria: Invitae Variant Classification Sherloc (09022015). Collection method: clinical testing. Allele origin: germline.
Comment: This sequence change replaces methionine, which is neutral and non-polar, with threonine, which is neutral and polar, at codon 327 of the SDHA protein (p.Met327Thr). This variant is not present in population databases (gnomAD no frequency). This variant has not been reported in the literature in individuals affected with SDHA-related conditions. ClinVar contains an entry for this variant (Variation ID: 1387862). Invitae Evidence Modeling of protein sequence and biophysical properties (such as structural, functional, and spatial information, amino acid conservation, physicochemical variation, residue mobility, and thermodynamic stability) has been performed for this missense variant. However, the output from this modeling did not meet the statistical confidence thresholds required to predict the impact of this variant on SDHA protein function. In summary, the available evidence is currently insufficient to determine the role of this variant in disease. Therefore, it has been classified as a Variant of Uncertain Significance.